The following is an entry in ClinVar:

ClinVar aggregate classification (germline): Uncertain significance (1 of 4 stars; one submission).

gnomAD v4.1: 1 of 1,613,364 alleles (0.000062%); highest among the groups gnomAD compares: South Asian, 0.0011%; no homozygotes.

Submission:

Labcorp Genetics (formerly Invitae), Labcorp
Classification: Uncertain significance. Last evaluated: 2025-07-21. Review status: criteria provided, single submitter. Criteria: Invitae Variant Classification Sherloc (09022015). Collection method: clinical testing. Allele origin: germline.
Comment: This sequence change replaces tyrosine, which is neutral and polar, with cysteine, which is neutral and slightly polar, at codon 735 of the ADGRA3 protein (p.Tyr735Cys). This variant is not present in population databases (gnomAD no frequency). This variant has not been reported in the literature in individuals affected with ADGRA3-related conditions. An algorithm developed to predict the effect of missense changes on protein structure and function (PolyPhen-2) suggests that this variant is likely to be disruptive. In summary, the available evidence is currently insufficient to determine the role of this variant in disease. Therefore, it has been classified as a Variant of Uncertain Significance.

NM_145290.4(ADGRA3):c.2204A>G (p.Tyr735Cys)

Gene: ADGRA3 (adhesion G protein-coupled receptor A3; minus strand). Cytogenetic location: 4p15.2.
Variant type: single nucleotide variant.
Coding change: c.2204A>G on transcript NM_145290.4 (MANE Select); coding-DNA position 2204, A replaced by G.
Protein change: p.Tyr735Cys; replaces tyrosine 735 with cysteine.
Molecular consequence: missense variant.
Genome position (GRCh38, 1-based): chr4:22,413,210, T>C on the plus strand (A>G on the coding strand, the complement: ADGRA3 is on the minus strand). VCF-style: chr4-22413210-T-C. GRCh37 (hg19) VCF-style: chr4-22414833-T-C.
Other names: short protein forms Y735C.
Identifiers: ClinVar variation 4805547 (VCV004805547.1).